The following is an entry in ClinVar:

ClinVar aggregate classification (germline): Uncertain significance (1 of 4 stars; one submission).

Allele frequency attached by ClinVar (database versions not stated): ExAC 0.00005; ESP Exome Variant Server 0.00008; gnomAD 0.00003; TOPMed 0.00005.
gnomAD v4.1: 83 of 1,614,040 alleles (0.0051%); highest among the groups gnomAD compares: Non-Finnish European, 0.0064%; no homozygotes.

Submission:

Labcorp Genetics (formerly Invitae), Labcorp
Classification: Uncertain significance. Last evaluated: 2022-10-28. Review status: criteria provided, single submitter. Criteria: Invitae Variant Classification Sherloc (09022015). Collection method: clinical testing. Allele origin: germline.
Comment: This sequence change falls in intron 13 of the INSR gene. It does not directly change the encoded amino acid sequence of the INSR protein. It affects a nucleotide within the consensus splice site. The frequency data for this variant in the population databases is considered unreliable, as metrics indicate poor data quality at this position in the gnomAD database. In summary, the available evidence is currently insufficient to determine the role of this variant in disease. Therefore, it has been classified as a Variant of Uncertain Significance. Variants that disrupt the consensus splice site are a relatively common cause of aberrant splicing (PMID: 17576681, 9536098). Algorithms developed to predict the effect of sequence changes on RNA splicing suggest that this variant is not likely to affect RNA splicing. This variant has not been reported in the literature in individuals affected with INSR-related conditions.

Literature cited by the submitters: PubMed 17576681; PubMed 9536098.

NM_000208.4(INSR):c.2682+6G>T

Gene: INSR (insulin receptor; minus strand). Cytogenetic location: 19p13.2.
Variant type: single nucleotide variant.
Coding change: c.2682+6G>T on transcript NM_000208.4 (MANE Select); 6 bases into the intron after coding-DNA position 2682, G replaced by T.
Molecular consequence: intron variant.
Genome position (GRCh38, 1-based): chr19:7,141,671, C>A on the plus strand (G>T on the coding strand, the complement: INSR is on the minus strand). VCF-style: chr19-7141671-C-A. GRCh37 (hg19) VCF-style: chr19-7141682-C-A.
Other names: c.2646+6G>T (NM_001079817.3).
Identifiers: ClinVar variation 2055672 (VCV002055672.4), dbSNP rs376929637, ClinGen allele CA9135491.